The following is an entry in ClinVar:

NM_001376.5(DYNC1H1):c.7139C>T (p.Ala2380Val)

Gene: DYNC1H1 (dynein cytoplasmic 1 heavy chain 1; plus strand). Cytogenetic location: 14q32.31.
Variant type: single nucleotide variant.
Coding change: c.7139C>T on transcript NM_001376.5 (MANE Select); coding-DNA position 7139, C replaced by T.
Protein change: p.Ala2380Val; replaces alanine 2380 with valine.
Molecular consequence: missense variant.
Genome position (GRCh38, 1-based): chr14:102,015,229, C>T. VCF-style: chr14-102015229-C-T. GRCh37 (hg19) VCF-style: chr14-102481566-C-T.
Other names: short protein forms A2380V.
Identifiers: ClinVar variation 1721894 (VCV001721894.5), dbSNP rs1241731098, ClinGen allele CA391060211.

ClinVar aggregate classification (germline): Uncertain significance (1 of 4 stars; one submission).

Conditions:
Charcot-Marie-Tooth disease axonal type 2O. Also called: Charcot-Marie-Tooth Neuropathy Type 2O; CHARCOT-MARIE-TOOTH NEUROPATHY, AXONAL, TYPE 2O; CHARCOT-MARIE-TOOTH DISEASE, AXONAL, AUTOSOMAL DOMINANT, TYPE 2O; Charcot-Marie-Tooth disease, axonal, type 20. Identifiers: Orphanet 284232, MedGen C3280220, MONDO:0013644, OMIM 614228.

Allele frequency attached by ClinVar (database versions not stated): TOPMed below 0.00001; gnomAD 0.00001.
gnomAD v4.1: 1 of 1,614,098 alleles (0.000062%); highest among the groups gnomAD compares: Non-Finnish European, 0.000085%; no homozygotes.

Submission:

Labcorp Genetics (formerly Invitae), Labcorp
Classification: Uncertain significance for Charcot-Marie-Tooth disease axonal type 2O. Last evaluated: 2022-10-19. Review status: criteria provided, single submitter. Criteria: Invitae Variant Classification Sherloc (09022015). Collection method: clinical testing. Allele origin: germline.
Comment: In summary, the available evidence is currently insufficient to determine the role of this variant in disease. Therefore, it has been classified as a Variant of Uncertain Significance. Advanced modeling of protein sequence and biophysical properties (such as structural, functional, and spatial information, amino acid conservation, physicochemical variation, residue mobility, and thermodynamic stability) performed at Invitae indicates that this missense variant is not expected to disrupt DYNC1H1 protein function. This variant has not been reported in the literature in individuals affected with DYNC1H1-related conditions. This variant is not present in population databases (gnomAD no frequency). This sequence change replaces alanine, which is neutral and non-polar, with valine, which is neutral and non-polar, at codon 2380 of the DYNC1H1 protein (p.Ala2380Val).